The following is an entry in ClinVar:

ClinVar aggregate classification (germline): Benign. Review status: criteria provided, multiple submitters, no conflicts (2 of 4 stars). 22 submissions from 15 submitters: Benign (20). 2 of the submissions do not count toward it. Last evaluated 2026-02-04.

Conditions:
Dilated cardiomyopathy 1G (CMD1G). Identifiers: Orphanet 154, MedGen C1858763, MONDO:0011400, OMIM 604145.
Autosomal recessive limb-girdle muscular dystrophy type 2J (LGMDR10). Also called: MUSCULAR DYSTROPHY, LIMB-GIRDLE, AUTOSOMAL RECESSIVE 10; Limb-girdle muscular dystrophy, type 2J. Identifiers: Orphanet 140922, MedGen C1837342, MONDO:0012127, OMIM 608807.
Cardiovascular phenotype. Identifiers: MedGen CN230736.
Early-onset myopathy with fatal cardiomyopathy (CMYO5). Also called: CONGENITAL MYOPATHY 5 WITH CARDIOMYOPATHY; Salih Myopathy. Identifiers: Orphanet 289377, MedGen C2673677, MONDO:0012714, OMIM 611705. Disease mechanism: loss of function.
Myopathy, myofibrillar, 9, with early respiratory failure (MFM9). Also called: Myopathy, distal, with early respiratory failure, autosomal dominant; Hereditary myopathy with early respiratory failure; MYOPATHY, PROXIMAL, WITH EARLY RESPIRATORY MUSCLE INVOLVEMENT; EDSTROM MYOPATHY. Identifiers: Orphanet 178464, Orphanet 34521, MedGen C1863599, MONDO:0011362, OMIM 603689.
Tibial muscular dystrophy (TMD). Also called: Udd Distal Myopathy – Tibial Muscular Dystrophy; Tibial muscular dystrophy, tardive; UDD MYOPATHY. Identifiers: Orphanet 609, MedGen C1838244, MONDO:0010870, OMIM 600334.

Allele frequency attached by ClinVar (database versions not stated): ESP Exome Variant Server 0.14365; 1000 Genomes Project 0.23423; ExAC 0.18404; gnomAD 0.15537 and 0.16075; gnomAD exomes 0.15633 and 0.18305; TOPMed 0.16060; 1000 Genomes Project 30x 0.22954.
gnomAD v4.1: 253,977 of 1,613,564 alleles (16%); highest among the groups gnomAD compares: East Asian, 43%; 22,907 homozygotes.

Submissions (22):

Labcorp Genetics (formerly Invitae), Labcorp
Classification: Benign for Dilated cardiomyopathy 1G; Autosomal recessive limb-girdle muscular dystrophy type 2J. Last evaluated: 2026-02-04. Review status: criteria provided, single submitter. Criteria: Invitae Variant Classification Sherloc (09022015). Collection method: clinical testing. Allele origin: germline.

Molecular Diagnostic Laboratory for Inherited Cardiovascular Disease, Montreal Heart Institute
Classification: Benign. Last evaluated: 2025-04-09. Review status: criteria provided, single submitter. Criteria: ACMG Guidelines, 2015. Collection method: clinical testing. Allele origin: germline. Affected: no.

Genome-Nilou Lab
Classification: Benign for Autosomal recessive limb-girdle muscular dystrophy type 2J. Last evaluated: 2021-09-10. Review status: criteria provided, single submitter. Criteria: ACMG Guidelines, 2015. Collection method: clinical testing. Allele origin: germline. Affected: no.

Genome-Nilou Lab
Classification: Benign for Myopathy, myofibrillar, 9, with early respiratory failure. Last evaluated: 2021-09-10. Review status: criteria provided, single submitter. Criteria: ACMG Guidelines, 2015. Collection method: clinical testing. Allele origin: germline. Affected: no.

Genome-Nilou Lab
Classification: Benign for Early-onset myopathy with fatal cardiomyopathy. Last evaluated: 2021-09-10. Review status: criteria provided, single submitter. Criteria: ACMG Guidelines, 2015. Collection method: clinical testing. Allele origin: germline. Affected: no.

Genome-Nilou Lab
Classification: Benign for Tibial muscular dystrophy. Last evaluated: 2021-09-10. Review status: criteria provided, single submitter. Criteria: ACMG Guidelines, 2015. Collection method: clinical testing. Allele origin: germline. Affected: no.

Women's Health and Genetics/Laboratory Corporation of America, LabCorp
Classification: Benign. Last evaluated: 2019-08-19. Review status: criteria provided, single submitter. Criteria: LabCorp Variant Classification Summary - May 2015. Collection method: clinical testing. Allele origin: germline.

Illumina Laboratory Services, Illumina
Classification: Benign for Tibial muscular dystrophy. Last evaluated: 2018-01-13. Review status: criteria provided, single submitter. Criteria: ICSL Variant Classification Criteria 13 December 2019. Collection method: clinical testing. Allele origin: germline.
Comment: This variant was observed in the ICSL laboratory as part of a predisposition screen in an ostensibly healthy population. It had not been previously curated by ICSL or reported in the Human Gene Mutation Database (HGMD: prior to June 1st, 2018), and was therefore a candidate for classification through an automated scoring system. Utilizing variant allele frequency, disease prevalence and penetrance estimates, and inheritance mode, an automated score was calculated to assess if this variant is too frequent to cause the disease. Based on the score and internal cut-off values, a variant classified as benign is not then subjected to further curation. The score for this variant resulted in a classification of benign for this disease.

Illumina Laboratory Services, Illumina
Classification: Benign for Autosomal recessive limb-girdle muscular dystrophy type 2J. Last evaluated: 2018-01-13. Review status: criteria provided, single submitter. Criteria: ICSL Variant Classification Criteria 13 December 2019. Collection method: clinical testing. Allele origin: germline.
Comment: the same text as in the submission from Illumina Laboratory Services, Illumina above.

Illumina Laboratory Services, Illumina
Classification: Benign for Dilated cardiomyopathy 1G. Last evaluated: 2018-01-13. Review status: criteria provided, single submitter. Criteria: ICSL Variant Classification Criteria 13 December 2019. Collection method: clinical testing. Allele origin: germline.
Comment: the same text as in the submission from Illumina Laboratory Services, Illumina above.

Illumina Laboratory Services, Illumina
Classification: Benign for Early-onset myopathy with fatal cardiomyopathy. Last evaluated: 2018-01-13. Review status: criteria provided, single submitter. Criteria: ICSL Variant Classification Criteria 13 December 2019. Collection method: clinical testing. Allele origin: germline.
Comment: the same text as in the submission from Illumina Laboratory Services, Illumina above.

Illumina Laboratory Services, Illumina
Classification: Benign for Myopathy, myofibrillar, 9, with early respiratory failure. Last evaluated: 2018-01-13. Review status: criteria provided, single submitter. Criteria: ICSL Variant Classification Criteria 13 December 2019. Collection method: clinical testing. Allele origin: germline.
Comment: the same text as in the submission from Illumina Laboratory Services, Illumina above.

Mayo Clinic Laboratories, Mayo Clinic
Classification: Benign. Last evaluated: 2017-08-25. Review status: criteria provided, single submitter. Criteria: ACMG Guidelines, 2015. Collection method: clinical testing. Allele origin: germline. Observed: 660 variant alleles.

Eurofins Ntd Llc (ga)
Classification: Benign. Last evaluated: 2013-10-21. Review status: criteria provided, single submitter. Criteria: EGL Classification Definitions 2015. Collection method: clinical testing. Allele origin: germline. Observed: 2 variant alleles, 2 heterozygotes.

Genetic Services Laboratory, University of Chicago
Classification: Benign for AllHighlyPenetrant. Last evaluated: 2013-08-15. Review status: criteria provided, single submitter. Criteria: ACMG Guidelines, 2007. Collection method: clinical testing. Allele origin: germline.

Ambry Genetics
Classification: Benign for Cardiovascular phenotype. Last evaluated: 2013-01-16. Review status: criteria provided, single submitter. Criteria: Ambry Autosomal Dominant and X-Linked criteria (10/2015). Collection method: clinical testing. Allele origin: germline. Observed: 1 variant allele.

GeneDx
Classification: Benign. Last evaluated: 2012-10-31. Review status: criteria provided, single submitter. Criteria: GeneDx Variant Classification (06012015). Collection method: clinical testing. Allele origin: germline. Affected: yes.
Comment: This variant is considered likely benign or benign based on one or more of the following criteria: it is a conservative change, it occurs at a poorly conserved position in the protein, it is predicted to be benign by multiple in silico algorithms, and/or has population frequency not consistent with disease.

Laboratory for Molecular Medicine, Mass General Brigham Personalized Medicine
Classification: Benign. Last evaluated: 2012-04-11. Review status: criteria provided, single submitter. Criteria: LMM Criteria. Collection method: clinical testing. Allele origin: germline. Observed: 517 variant alleles.

Breakthrough Genomics
Classification: Benign. Review status: criteria provided, single submitter. Criteria: ACMG Guidelines, 2015. Collection method: not provided. Allele origin: germline. Inheritance: Autosomal recessive inheritance. Affected: yes.

PreventionGenetics, part of Exact Sciences
Classification: Benign. Review status: criteria provided, single submitter. Criteria: ACMG Guidelines, 2015. Collection method: clinical testing. Allele origin: germline.

Clinical Genetics, Academic Medical Center
Classification: Benign. Review status: no assertion criteria provided. Collection method: clinical testing. Allele origin: germline. Affected: yes. Study: VKGL Data-share Consensus. Not counted in ClinVar's aggregate classification.

Joint Genome Diagnostic Labs from Nijmegen and Maastricht, Radboudumc and MUMC+
Classification: Benign. Review status: no assertion criteria provided. Collection method: clinical testing. Allele origin: germline. Affected: yes. Study: VKGL Data-share Consensus. Not counted in ClinVar's aggregate classification.

NM_001267550.2(TTN):c.93243C>T (p.Ala31081=)

Genes: TTN (titin; minus strand), TTN-AS1 (TTN antisense RNA 1; plus strand). Cytogenetic location: 2q31.2.
Variant type: single nucleotide variant.
Coding change: c.93243C>T on transcript NM_001267550.2 (MANE Select); coding-DNA position 93243, C replaced by T.
Protein change: p.Ala31081=; no amino-acid change (alanine 31081 retained).
Molecular consequence: synonymous variant.
Genome position (GRCh38, 1-based): chr2:178,548,383, G>A on the plus strand (C>T on the coding strand, the complement: TTN is on the minus strand). VCF-style: chr2-178548383-G-A. GRCh37 (hg19) VCF-style: chr2-179413110-G-A.
Other names: p.A29440A:GCC>GCT; p.Ala28513=; c.88320C>T, p.Ala29440= (NM_001256850.1); c.66048C>T, p.Ala22016= (NM_003319.4); c.85539C>T, p.Ala28513= (NM_133378.4); c.66423C>T, p.Ala22141= (NM_133432.3); c.66624C>T, p.Ala22208= (NM_133437.4).
Identifiers: ClinVar variation 47530 (VCV000047530.36), dbSNP rs3731748, ClinGen allele CA284065.